The following is an entry in ClinVar:

NM_025099.6(CTC1):c.1838T>C (p.Val613Ala)

Gene: CTC1 (CST telomere replication complex component 1; minus strand). Cytogenetic location: 17p13.1.
Variant type: single nucleotide variant.
Coding change: c.1838T>C on transcript NM_025099.6 (MANE Select); coding-DNA position 1838, T replaced by C.
Protein change: p.Val613Ala; replaces valine 613 with alanine.
Molecular consequence: missense variant. On other transcripts: non-coding transcript variant (1).
Genome position (GRCh38, 1-based): chr17:8,233,013, A>G on the plus strand (T>C on the coding strand, the complement: CTC1 is on the minus strand). VCF-style: chr17-8233013-A-G. GRCh37 (hg19) VCF-style: chr17-8136331-A-G.
Other names: c.1838T>C, p.Val613Ala (NM_001411067.1); short protein forms V613A.
Identifiers: ClinVar variation 2823829 (VCV002823829.3), dbSNP rs2507908205, ClinGen allele CA397981061.

ClinVar aggregate classification (germline): Uncertain significance (1 of 4 stars; one submission).

Conditions:
Dyskeratosis congenita. Identifiers: Orphanet 1775, MedGen C0265965, MONDO:0015780.

Submission:

Labcorp Genetics (formerly Invitae), Labcorp
Classification: Uncertain significance for Dyskeratosis congenita. Last evaluated: 2023-08-10. Review status: criteria provided, single submitter. Criteria: Invitae Variant Classification Sherloc (09022015). Collection method: clinical testing. Allele origin: germline.
Comment: Advanced modeling of protein sequence and biophysical properties (such as structural, functional, and spatial information, amino acid conservation, physicochemical variation, residue mobility, and thermodynamic stability) performed at Invitae indicates that this missense variant is not expected to disrupt CTC1 protein function. In summary, the available evidence is currently insufficient to determine the role of this variant in disease. Therefore, it has been classified as a Variant of Uncertain Significance. This variant has not been reported in the literature in individuals affected with CTC1-related conditions. This variant is not present in population databases (gnomAD no frequency). This sequence change replaces valine, which is neutral and non-polar, with alanine, which is neutral and non-polar, at codon 613 of the CTC1 protein (p.Val613Ala).